The following is an entry in ClinVar:

ClinVar aggregate classification (germline): Pathogenic/Likely pathogenic. Review status: criteria provided, multiple submitters, no conflicts (2 of 4 stars). 2 submissions from 2 submitters: Pathogenic (1); Likely pathogenic (1). Last evaluated 2023-08-28.

Conditions:
Pituitary adenoma 5, multiple types. Identifiers: MedGen C4539685, MONDO:0054601, OMIM 617540.

Submissions (2):

Labcorp Genetics (formerly Invitae), Labcorp
Classification: Pathogenic. Last evaluated: 2023-08-28. Review status: criteria provided, single submitter. Criteria: Invitae Variant Classification Sherloc (09022015). Collection method: clinical testing. Allele origin: germline.
Comment: This sequence change creates a premature translational stop signal (p.Asn2226Glnfs*30) in the CDH23 gene. It is expected to result in an absent or disrupted protein product. Loss-of-function variants in CDH23 are known to be pathogenic (PMID: 11138009, 21940737). This variant is not present in population databases (gnomAD no frequency). This variant has not been reported in the literature in individuals affected with CDH23-related conditions. For these reasons, this variant has been classified as Pathogenic.

Baylor Genetics
Classification: Likely pathogenic for Pituitary adenoma 5, multiple types. Last evaluated: 2022-08-09. Review status: criteria provided, single submitter. Criteria: ACMG Guidelines, 2015. Collection method: clinical testing. Allele origin: unknown.

Literature cited by the submitters: PubMed 11138009 (cited by Labcorp Genetics (formerly Invitae), Labcorp); PubMed 21940737 (cited by Labcorp Genetics (formerly Invitae), Labcorp).

NM_022124.6(CDH23):c.6675dup (p.Asn2226fs)

Gene: CDH23 (cadherin related 23; plus strand). Cytogenetic location: 10q22.1.
Variant type: Duplication.
Coding change: c.6675dup on transcript NM_022124.6 (MANE Select); coding-DNA position 6675, one base duplicated (C; older notation c.6675dupC).
Protein change: p.Asn2226fs; shifts the reading frame from asparagine 2226.
Molecular consequence: frameshift variant.
Genome position (GRCh38, 1-based): chr10:71,793,603, C duplicated; the last of 3 consecutive C bases (chr10:71,793,601-71,793,603); duplicating any one gives the same sequence. VCF-style (leftmost placement, unchanged base first): chr10-71793600-G-GC. GRCh37 (hg19) VCF-style: chr10-73553357-G-GC.
Other names: short protein forms N2226fs.
Identifiers: ClinVar variation 2680521 (VCV002680521.4), dbSNP rs2494385765, ClinGen allele CA2695199532.